The following is an entry in ClinVar:

ClinVar aggregate classification (germline): Pathogenic (1 of 4 stars; one submission).

Conditions:
Tuberous sclerosis 2 (TSC2). Identifiers: Orphanet 805, MedGen C1860707, MONDO:0013199, OMIM 613254.

Submission:

Labcorp Genetics (formerly Invitae), Labcorp
Classification: Pathogenic for Tuberous sclerosis 2. Last evaluated: 2024-05-15. Review status: criteria provided, single submitter. Criteria: Invitae Variant Classification Sherloc (09022015). Collection method: clinical testing. Allele origin: germline.
Comment: This sequence change creates a premature translational stop signal (p.Gly1091Alafs*12) in the TSC2 gene. It is expected to result in an absent or disrupted protein product. Loss-of-function variants in TSC2 are known to be pathogenic (PMID: 10205261, 17304050). This variant is not present in population databases (gnomAD no frequency). This variant has not been reported in the literature in individuals affected with TSC2-related conditions. For these reasons, this variant has been classified as Pathogenic.

Literature cited by the submitters: PubMed 10205261; PubMed 17304050.

NM_000548.5(TSC2):c.3270del (p.Gly1091fs)

Gene: TSC2 (TSC complex subunit 2; plus strand). Cytogenetic location: 16p13.3.
Variant type: Deletion.
Coding change: c.3270del on transcript NM_000548.5 (MANE Select); coding-DNA position 3270, one base deleted (C; older notation c.3270delC).
Protein change: p.Gly1091fs; shifts the reading frame from glycine 1091.
Molecular consequence: frameshift variant. On other transcripts: non-coding transcript variant (5).
Genome position (GRCh38, 1-based): chr16:2,079,414, C deleted; the last of 2 consecutive C bases (chr16:2,079,413-2,079,414); deleting either gives the same sequence. VCF-style (leftmost placement, unchanged base first): chr16-2079412-TC-T. GRCh37 (hg19) VCF-style: chr16-2129413-TC-T.
Other names: c.3138del, p.Gly1047fs (NM_001077183.3, NM_001370404.1, NM_001406665.1); c.3270del, p.Gly1091fs (NM_001114382.3); c.3030del, p.Gly1011fs (NM_001318827.2); c.2994del, p.Gly999fs (NM_001318829.2); c.2538del, p.Gly847fs (NM_001318831.2, NM_001406687.1, NM_001406688.1); c.3171del, p.Gly1058fs (NM_001318832.2); c.3141del, p.Gly1048fs (NM_001363528.2, NM_001370405.1, NM_021055.3); c.3267del, p.Gly1090fs (NM_001406663.1, NM_001406664.1); and 18 more; short protein forms G1010fs, G1044fs, G1047fs, G1058fs, G513fs, G599fs, G643fs, G847fs.
Identifiers: ClinVar variation 2742870 (VCV002742870.3), dbSNP rs2544055758, ClinGen allele CA2697549500.